The following continues an entry in ClinVar:

NM_000492.4(CFTR):c.2930C>T (p.Ser977Phe)

ClinVar aggregate classification (germline): drug response. drug response (1).

Submissions 9 to 14 of 14:

ARUP Laboratories, Molecular Genetics and Genomics, ARUP Laboratories
Classification: Likely pathogenic. Last evaluated: 2021-09-27. Review status: criteria provided, single submitter. Criteria: ARUP Molecular Germline Variant Investigation Process 2021. Collection method: clinical testing. Allele origin: germline. Not counted in ClinVar's aggregate classification.
Comment: The CFTR c.2930C>T, p.Ser977Phe variant (rs141033578) has been reported in patients diagnosed with cystic fibrosis (Le Marechal 2001, Loumi 2008, Scotet 2003, Lakeman 2008) and CFTR-related disorders (Bareil 2007, Goubau 2009, Lebecque 2002, Ratbi 2007, Sermet-Gaudelus 2010, Sorio 2013, Trujillano 2013, Tzetis 2001). It was identified in-cis with the pathogenic 12TG-5T variant in multiple individuals (Lebecque 2002, Sorio 2013, Trujillano 2013, Tzetis 2001); therefore, it is possible that p.Ser977Phe and 12TG-5T could represent a complex allele if found together. Functional characterization of the p.Ser977Phe variant indicates wildtype levels of CFTR expression and protein maturation, but the variant protein has a chloride transport activity at 5 percent of wildtype CFTR (Van Goor 2014, CFTR2 database). The variant is listed in ClinVar (Variation ID: 53601), and found in the general population with an overall allele frequency of 0.001% (3/251114 alleles) in the Genome Aggregation Database. The serine at codon 977 is highly conserved, and computational analyses predict that this variant is deleterious (REVEL: 0.906). Due to the variability of associated clinical phenotype, the p.Ser977Phe variant is considered to be likely pathogenic with varying clinical consequences. References: CFTR2 database: Bareil C et al. Comprehensive and rapid genotyping of mutations and haplotypes in congenital bilateral absence of the vas deferens and other cystic fibrosis transmembrane conductance regulator-related disorders. J Mol Diagn. 2007 Nov;9(5):582-8. PMID: 17975025. Goubau C et al. Phenotypic characterisation of patients with intermediate sweat chloride values: towards validation of the European diagnostic algorithm for cystic fibrosis. Thorax. 2009 Aug;64(8):683-91. PMID: 19318346. Lakeman P et al. CFTR mutations in Turkish and North African cystic fibrosis patients in Europe: implications for screening. Genet Test. 2008 Mar;12(1):25-35. PMID: 18373402. Le Marechal C et al. Complete and rapid scanning of the cystic fibrosis transmembrane conductance regulator (CFTR) gene by denaturing high-performance liquid chromatography (D-HPLC): major implications for genetic counselling. Hum Genet. 2001; 108(4):290-8. PMID: 11379874. Lebecque P et al. Mutations of the cystic fibrosis gene and intermediate sweat chloride levels in children. Am J Respir Crit Care Med. 2002; 165(6):757-61. PMID: 11897640. Loumi O et al. CFTR mutations in the Algerian population. J Cyst Fibros. 2008 Jan;7(1):54-9. PMID: 17572159. Ratbi I et al. Detection of cystic fibrosis transmembrane conductance regulator (CFTR) gene rearrangements enriches the mutation spectrum in congenital bilateral absence of the vas deferens and impacts on genetic counselling. Hum Reprod. 2007; 22(5):1285-91. PMID: 17329263. Scotet V et al. Comparison of the CFTR mutation spectrum in three cohorts of patients of Celtic origin from Brittany (France) and Ireland. Hum Mutat. 2003 Jul;22(1):105. PMID: 12815607. Sermet-Gaudelus I et al. Clinical phenotype and genotype of children with borderline sweat test and abnormal nasal epithelial chloride transport. Am J Respir Crit Care Med. 2010 Oct 1;182(7):929-36. PMID: 20538955. Sorio C et al. Impaired CFTR function in mild cystic fibrosis associated with the S977F/T5TG12complex allele in trans with F508del mutation. J Cyst Fibros. 2013; 12(6):821-5. PMID: 23361109. Sosnay PR et al. Defining the disease liability of variants in the cystic fibrosis transmembrane conductance regulator gene. Nat Genet. 2013; 45(10):1160-7. PMID: 23974870 Trujillano D et al. Next generation diagnostics of cystic fibrosis and CFTR-related disorders by targeted multiplex high-coverage resequencing of CFTR. J Med Genet. 2013; 50(7):455-62. PMID: 23687349. Tzetis M et al. CFTR gene mutations--including three novel nucleotide substitutions--and haplotype background in patients with asthma, disseminated bronchiectasis and chronic obstructive pulmonary disease. Hum Genet. 2001; 108(3):216-21. PMID: 11354633. Van Goor F et al. Effect of ivacaftor on CFTR forms with missense mutations associated with defects in protein processing or function. J Cyst Fibros. 2014; 13(1):29-36. PMID: 23891399.

Genome Diagnostics Laboratory, The Hospital for Sick Children
Classification: Likely pathogenic for Cystic fibrosis. Last evaluated: 2019-06-27. Review status: criteria provided, single submitter. Criteria: ACMG Guidelines, 2015. Collection method: clinical testing. Allele origin: germline. Not counted in ClinVar's aggregate classification.

CFTR-France
Classification: Pathogenic for cystic fibrosis; CFTR-related disorders. Last evaluated: 2018-01-29. Review status: criteria provided, single submitter. Criteria: Claustres M et al. (Hum Mutat 2017). Collection method: curation. Allele origin: germline. Affected: yes. Not counted in ClinVar's aggregate classification.
Comment: when the variant is in trans with another CF-causing variation, can either result in CF or in a CFTR-RD

Baylor Genetics
Classification: Pathogenic for Congenital bilateral aplasia of vas deferens from CFTR mutation; Cystic fibrosis. Review status: criteria provided, single submitter. Criteria: ACMG Guidelines, 2015. Collection method: clinical testing. Allele origin: germline. Not counted in ClinVar's aggregate classification.

Genome Diagnostics Laboratory, The Hospital for Sick Children
Classification: Likely pathogenic for CFTR-related disorders. Last evaluated: 2019-06-27. Review status: no assertion criteria provided. Collection method: clinical testing. Allele origin: germline. Not counted in ClinVar's aggregate classification.

ClinVar Staff, National Center for Biotechnology Information (NCBI)
No classification provided. Condition: CFTR-related disorders. Review status: no classification provided. Collection method: literature only. Allele origin: germline. Affected: yes. Not counted in ClinVar's aggregate classification.

Literature cited by the submitters: PubMed 23891399 (cited by 4 submitters); PubMed 23361109 (cited by 4 submitters); PubMed 23687349 (cited by Ambry Genetics); PubMed 23974870 (cited by Ambry Genetics and Women's Health and Genetics/Laboratory Corporation of America, LabCorp); PubMed 28603918 (cited by Ambry Genetics); PubMed 38388235 (cited by Ambry Genetics and Natera, Inc.); PubMed 20538955 (cited by Natera, Inc. and Women's Health and Genetics/Laboratory Corporation of America, LabCorp); PubMed 25910067 (cited by Natera, Inc. and Women's Health and Genetics/Laboratory Corporation of America, LabCorp); PubMed 33020115 (cited by Natera, Inc.); PubMed 19318346 (cited by Labcorp Genetics (formerly Invitae), Labcorp and Women's Health and Genetics/Laboratory Corporation of America, LabCorp); PubMed 11354633 (cited by Women's Health and Genetics/Laboratory Corporation of America, LabCorp); PubMed 17572159 (cited by Women's Health and Genetics/Laboratory Corporation of America, LabCorp); PubMed 12815607 (cited by Women's Health and Genetics/Laboratory Corporation of America, LabCorp); PubMed 10923036 (cited by Women's Health and Genetics/Laboratory Corporation of America, LabCorp); PubMed 17329263 (cited by Women's Health and Genetics/Laboratory Corporation of America, LabCorp and ClinVar Staff, National Center for Biotechnology Information (NCBI)); PubMed 17975025 (cited by Women's Health and Genetics/Laboratory Corporation of America, LabCorp); PubMed 18373402 (cited by Women's Health and Genetics/Laboratory Corporation of America, LabCorp); PubMed 25735457 (cited by Women's Health and Genetics/Laboratory Corporation of America, LabCorp); PubMed 26014425 (cited by Women's Health and Genetics/Laboratory Corporation of America, LabCorp); PubMed 27264265 (cited by Women's Health and Genetics/Laboratory Corporation of America, LabCorp); PubMed 27738188 (cited by Women's Health and Genetics/Laboratory Corporation of America, LabCorp); PubMed 32483343 (cited by Women's Health and Genetics/Laboratory Corporation of America, LabCorp); PubMed 36319933 (cited by Women's Health and Genetics/Laboratory Corporation of America, LabCorp); PubMed 11379874 (cited by ClinVar Staff, National Center for Biotechnology Information (NCBI)).